The following is an entry in ClinVar:

ClinVar aggregate classification (germline): Likely benign. Review status: criteria provided, multiple submitters, no conflicts (2 of 4 stars). 3 submissions from 3 submitters: Likely benign (3). Last evaluated 2025-07-14.

Conditions:
Hereditary spastic paraplegia 31. Also called: SPASTIC PARAPLEGIA 31, AUTOSOMAL DOMINANT. Identifiers: Orphanet 101011, MedGen C1853247, MONDO:0012453, OMIM 610250.

gnomAD v4.1: 9 of 1,275,646 alleles (0.00071%); highest among the groups gnomAD compares: Middle Eastern, 0.031%; no homozygotes.

Submissions (3):

Labcorp Genetics (formerly Invitae), Labcorp
Classification: Likely benign for Hereditary spastic paraplegia 31. Last evaluated: 2025-07-14. Review status: criteria provided, single submitter. Criteria: Invitae Variant Classification Sherloc (09022015). Collection method: clinical testing. Allele origin: germline.

Blueprint Genetics
Classification: Likely benign. Last evaluated: 2024-09-30. Review status: criteria provided, single submitter. Criteria: ACMG Guidelines, 2015. Collection method: clinical testing. Allele origin: germline.

GeneDx
Classification: Likely benign. Last evaluated: 2016-07-07. Review status: criteria provided, single submitter. Criteria: GeneDx Variant Classification (06012015). Collection method: clinical testing. Allele origin: germline. Affected: yes.
Comment: This variant is considered likely benign or benign based on one or more of the following criteria: it is a conservative change, it occurs at a poorly conserved position in the protein, it is predicted to be benign by multiple in silico algorithms, and/or has population frequency not consistent with disease.

NM_001371279.1(REEP1):c.32+14T>A

Gene: REEP1 (receptor accessory protein 1; minus strand). Cytogenetic location: 2p11.2.
Variant type: single nucleotide variant.
Coding change: c.32+14T>A on transcript NM_001371279.1 (MANE Select); 14 bases into the intron after coding-DNA position 32, T replaced by A.
Molecular consequence: intron variant.
Genome position (GRCh38, 1-based): chr2:86,337,465, A>T on the plus strand (T>A on the coding strand, the complement: REEP1 is on the minus strand). VCF-style: chr2-86337465-A-T. GRCh37 (hg19) VCF-style: chr2-86564588-A-T.
Other names: c.53+559T>A (NM_001164730.2); c.24+14T>A (NM_001164731.2); c.32+14T>A (NM_001164732.2, NM_001371280.1, NM_022912.3).
Identifiers: ClinVar variation 387507 (VCV000387507.6), dbSNP rs1057522806, ClinGen allele CA16604722.